The following is an entry in ClinVar:

ClinVar aggregate classification (germline): Likely pathogenic (1 of 4 stars; one submission).

Conditions:
Cardiomyopathy, dilated, 2M. Identifiers: MedGen C6012748, MONDO:0979243, OMIM 621261.

gnomAD v4.1: 1 of 1,611,668 alleles (0.000062%); highest among the groups gnomAD compares: South Asian, 0.0011%; no homozygotes.

Submission:

First Genomix Gene Laboratory, Genetic Diagnostics Department
Classification: Likely pathogenic for Cardiomyopathy, dilated, 2M. Last evaluated: 2025-08-21. Review status: criteria provided, single submitter. Criteria: ACMG Guidelines, 2015. Collection method: clinical testing. Allele origin: germline. Inheritance: Autosomal recessive inheritance. Affected: no. Observed: 1 variant allele.

NM_144573.4(NEXN):c.1261G>T (p.Glu421Ter)

Gene: NEXN (nexilin F-actin binding protein; plus strand). Cytogenetic location: 1p31.1.
Variant type: single nucleotide variant.
Coding change: c.1261G>T on transcript NM_144573.4 (MANE Select); coding-DNA position 1261, G replaced by T.
Protein change: p.Glu421Ter; replaces glutamic acid 421 with a stop codon.
Molecular consequence: nonsense.
Genome position (GRCh38, 1-based): chr1:77,935,832, G>T. VCF-style: chr1-77935832-G-T. GRCh37 (hg19) VCF-style: chr1-78401517-G-T.
Other names: c.1069G>T, p.Glu357Ter (NM_001172309.2); short protein forms E357*, E421*.
Identifiers: ClinVar variation 4850409 (VCV004850409.1).
Genomic context (GRCh38, chr1:77,935,832, plus strand): 5'-GTGAGACTCTCTCAAAAACAGCAGCAACAAACTTATTAATTTTTTTTGAAGGAAGAGGAA[G>T]AAAATGAAACCTTTGGATTGAGCAGAGAATATGAAGAACTGATCAAATTAAAAAGGAGTG-3'